The following is an entry in ClinVar:

ClinVar aggregate classification (germline): Uncertain significance (1 of 4 stars; one submission).

Submission:

GeneDx
Classification: Uncertain significance. Last evaluated: 2024-12-09. Review status: criteria provided, single submitter. Criteria: GeneDx Variant Classification Process June 2021. Collection method: clinical testing. Allele origin: germline. Affected: yes.
Comment: Not observed at significant frequency in large population cohorts (gnomAD); In silico analysis supports a deleterious effect on splicing; Has not been previously published as pathogenic or benign to our knowledge

NM_004397.6(DDX6):c.1110G>A (p.Gln370=)

Gene: DDX6 (DEAD-box helicase 6; minus strand). Cytogenetic location: 11q23.3.
Variant type: single nucleotide variant.
Coding change: c.1110G>A on transcript NM_004397.6 (MANE Select); coding-DNA position 1110, G replaced by A.
Protein change: p.Gln370=; no amino-acid change (glutamine 370 retained).
Molecular consequence: synonymous variant.
Genome position (GRCh38, 1-based): chr11:118,757,171, C>T on the plus strand (G>A on the coding strand, the complement: DDX6 is on the minus strand). VCF-style: chr11-118757171-C-T. GRCh37 (hg19) VCF-style: chr11-118627880-C-T.
Other names: c.1110G>A, p.Gln370= (NM_001257191.3, NM_001425145.1, NM_001425146.1); c.1107G>A, p.Gln369= (NM_001425147.1, NM_001425148.1); c.981G>A, p.Gln327= (NM_001425149.1, NM_001425150.1); c.963G>A, p.Gln321= (NM_001425151.1, NM_001425152.1); c.834G>A, p.Gln278= (NM_001425153.1); c.786G>A, p.Gln262= (NM_001425154.1).
Identifiers: ClinVar variation 3903385 (VCV003903385.1).